The following is an entry in ClinVar:

NM_005026.5(PIK3CD):c.17A>C (p.Asp6Ala)

Gene: PIK3CD (phosphatidylinositol-4,5-bisphosphate 3-kinase catalytic subunit delta; plus strand). Cytogenetic location: 1p36.22.
Variant type: single nucleotide variant.
Coding change: c.17A>C on transcript NM_005026.5 (MANE Select); coding-DNA position 17, A replaced by C.
Protein change: p.Asp6Ala; replaces aspartic acid 6 with alanine.
Molecular consequence: missense variant.
Genome position (GRCh38, 1-based): chr1:9,710,472, A>C. VCF-style: chr1-9710472-A-C. GRCh37 (hg19) VCF-style: chr1-9770530-A-C.
Other names: c.17A>C, p.Asp6Ala (NM_001350235.1, NM_001350234.2); short protein forms D6A.
Identifiers: ClinVar variation 1019034 (VCV001019034.10), dbSNP rs749032083, ClinGen allele CA17769061.

ClinVar aggregate classification (germline): Uncertain significance. Review status: criteria provided, multiple submitters, no conflicts (2 of 4 stars). 2 submissions from 2 submitters: Uncertain significance (2). Last evaluated 2025-12-18.

Conditions:
Immunodeficiency 14 (IMD14A). Also called: ACTIVATED PI3K-DELTA SYNDROME 1; IMMUNODEFICIENCY 14A WITH LYMPHOPROLIFERATION, AUTOSOMAL DOMINANT; Activated PI3K Delta Syndrome Type 1 (APDS1); p110-DELTA-ACTIVATING MUTATION CAUSING SENESCENT T CELLS, LYMPHADENOPATHY, AND IMMUNODEFICIENCY. Identifiers: Orphanet 397596, Orphanet 693661, MedGen C5907821, MONDO:0014222, OMIM 615513.

Allele frequency attached by ClinVar (database versions not stated): TOPMed 0.00003.
gnomAD v4.1: 109 of 1,614,022 alleles (0.0068%); highest among the groups gnomAD compares: Non-Finnish European, 0.0091%; no homozygotes.

Submissions (2):

Labcorp Genetics (formerly Invitae), Labcorp
Classification: Uncertain significance for Activated PI3K-delta syndrome. Last evaluated: 2025-12-18. Review status: criteria provided, single submitter. Criteria: Invitae Variant Classification Sherloc (09022015). Collection method: clinical testing. Allele origin: germline.
Comment: This sequence change replaces aspartic acid, which is acidic and polar, with alanine, which is neutral and non-polar, at codon 6 of the PIK3CD protein (p.Asp6Ala). This variant is not present in population databases (gnomAD no frequency). This variant has not been reported in the literature in individuals affected with PIK3CD-related conditions. ClinVar contains an entry for this variant (Variation ID: 1019034). An algorithm developed to predict the effect of missense changes on protein structure and function (PolyPhen-2) suggests that this variant is likely to be tolerated. In summary, the available evidence is currently insufficient to determine the role of this variant in disease. Therefore, it has been classified as a Variant of Uncertain Significance.

Blueprint Genetics
Classification: Uncertain significance. Last evaluated: 2024-08-09. Review status: criteria provided, single submitter. Criteria: ACMG Guidelines, 2015. Collection method: clinical testing. Allele origin: germline.